The following is an entry in ClinVar:

ClinVar aggregate classification (germline): Uncertain significance (1 of 4 stars; one submission).

Allele frequency attached by ClinVar (database versions not stated): gnomAD exomes below 0.00001.
gnomAD v4.1: 1 of 1,613,482 alleles (0.000062%); highest among the groups gnomAD compares: Non-Finnish European, 0.000085%; no homozygotes.

Submission:

Labcorp Genetics (formerly Invitae), Labcorp
Classification: Uncertain significance. Last evaluated: 2021-08-31. Review status: criteria provided, single submitter. Criteria: Invitae Variant Classification Sherloc (09022015). Collection method: clinical testing. Allele origin: germline.
Comment: This sequence change replaces isoleucine with phenylalanine at codon 1411 of the USH2A protein (p.Ile1411Phe). The isoleucine residue is weakly conserved and there is a small physicochemical difference between isoleucine and phenylalanine. This variant is not present in population databases (ExAC no frequency). This variant has not been reported in the literature in individuals affected with USH2A-related conditions. Algorithms developed to predict the effect of missense changes on protein structure and function (SIFT, PolyPhen-2, Align-GVGD) all suggest that this variant is likely to be tolerated. In summary, the available evidence is currently insufficient to determine the role of this variant in disease. Therefore, it has been classified as a Variant of Uncertain Significance.

NM_206933.4(USH2A):c.4231A>T (p.Ile1411Phe)

Genes: USH2A (usherin; minus strand), USH2A-AS1 (USH2A antisense RNA 1; plus strand). Cytogenetic location: 1q41.
Variant type: single nucleotide variant.
Coding change: c.4231A>T on transcript NM_206933.4 (MANE Select); coding-DNA position 4231, A replaced by T.
Protein change: p.Ile1411Phe; replaces isoleucine 1411 with phenylalanine.
Molecular consequence: missense variant.
Genome position (GRCh38, 1-based): chr1:216,196,573, T>A on the plus strand (A>T on the coding strand, the complement: USH2A is on the minus strand). VCF-style: chr1-216196573-T-A. GRCh37 (hg19) VCF-style: chr1-216369915-T-A.
Other names: c.4231A>T, p.Ile1411Phe (NM_007123.6); short protein forms I1411F.
Identifiers: ClinVar variation 850986 (VCV000850986.7), dbSNP rs2034848829, ClinGen allele CA344866150.